The following is an entry in ClinVar:

NM_000245.4(MET):c.1287A>C (p.Leu429Phe)

Gene: MET (MET proto-oncogene, receptor tyrosine kinase; plus strand). Cytogenetic location: 7q31.2.
Variant type: single nucleotide variant.
Coding change: c.1287A>C on transcript NM_000245.4 (MANE Select); coding-DNA position 1287, A replaced by C.
Protein change: p.Leu429Phe; replaces leucine 429 with phenylalanine.
Molecular consequence: missense variant. On other transcripts: 5 prime UTR variant (1).
Genome position (GRCh38, 1-based): chr7:116,731,754, A>C. VCF-style: chr7-116731754-A-C. GRCh37 (hg19) VCF-style: chr7-116371808-A-C.
Other names: c.1287A>C, p.Leu429Phe (NM_001127500.3, NM_001324401.3); c.-4A>C (NM_001324402.2); short protein forms L429F.
Identifiers: ClinVar variation 954461 (VCV000954461.13), dbSNP rs1793014361, ClinGen allele CA368972848.

ClinVar aggregate classification (germline): Uncertain significance. Review status: criteria provided, multiple submitters, no conflicts (2 of 4 stars). 2 submissions from 2 submitters: Uncertain significance (2). Last evaluated 2024-04-16.

Conditions:
Renal cell carcinoma. Identifiers: Orphanet 217071, MedGen C0007134, MeSH D002292, MONDO:0005086, HP:0005584.
Hereditary cancer-predisposing syndrome. Also called: Hereditary neoplastic syndrome; Tumor predisposition; Neoplastic Syndromes, Hereditary; Hereditary Cancer Syndrome. Identifiers: Orphanet 140162, MedGen C0027672, MeSH D009386, MONDO:0015356.

Submissions (2):

Ambry Genetics
Classification: Uncertain significance for Hereditary cancer-predisposing syndrome. Last evaluated: 2024-04-16. Review status: criteria provided, single submitter. Criteria: Ambry Variant Classification Scheme 2023. Collection method: clinical testing. Allele origin: germline.
Comment: The p.L429F variant (also known as c.1287A>C), located in coding exon 2 of the MET gene, results from an A to C substitution at nucleotide position 1287. The leucine at codon 429 is replaced by phenylalanine, an amino acid with highly similar properties. This amino acid position is conserved. In addition, the in silico prediction for this alteration is inconclusive. Since supporting evidence is limited at this time, the clinical significance of this alteration remains unclear.

Labcorp Genetics (formerly Invitae), Labcorp
Classification: Uncertain significance for Renal cell carcinoma. Last evaluated: 2022-01-28. Review status: criteria provided, single submitter. Criteria: Invitae Variant Classification Sherloc (09022015). Collection method: clinical testing. Allele origin: germline.
Comment: In summary, the available evidence is currently insufficient to determine the role of this variant in disease. Therefore, it has been classified as a Variant of Uncertain Significance. Algorithms developed to predict the effect of missense changes on protein structure and function are either unavailable or do not agree on the potential impact of this missense change (SIFT: "Tolerated"; PolyPhen-2: "Probably Damaging"; Align-GVGD: "Class C0"). ClinVar contains an entry for this variant (Variation ID: 954461). This variant has not been reported in the literature in individuals affected with MET-related conditions. This variant is not present in population databases (gnomAD no frequency). This sequence change replaces leucine, which is neutral and non-polar, with phenylalanine, which is neutral and non-polar, at codon 429 of the MET protein (p.Leu429Phe).